The following is an entry in ClinVar:

NM_006397.3(RNASEH2A):c.*16G>A

Gene: RNASEH2A (ribonuclease H2 subunit A; plus strand). Cytogenetic location: 19p13.13.
Variant type: single nucleotide variant.
Coding change: c.*16G>A on transcript NM_006397.3 (MANE Select); 16 bases downstream of the stop codon, G replaced by A.
Molecular consequence: 3 prime UTR variant.
Genome position (GRCh38, 1-based): chr19:12,813,482, G>A. VCF-style: chr19-12813482-G-A. GRCh37 (hg19) VCF-style: chr19-12924296-G-A.
Identifiers: ClinVar variation 4687781 (VCV004687781.1).

ClinVar aggregate classification (germline): Uncertain significance (1 of 4 stars; one submission).

Submission:

Women's Health and Genetics/Laboratory Corporation of America, LabCorp
Classification: Uncertain significance. Last evaluated: 2025-10-24. Review status: criteria provided, single submitter. Criteria: LabCorp Variant Classification Summary - May 2015. Collection method: clinical testing. Allele origin: germline.
Comment: Variant summary: RNASEH2A c.*16G>A is located in the untranslated mRNA region downstream of the termination codon. The variant allele was found at a frequency of 5.2e-05 in 248540 control chromosomes. This frequency is not significantly higher than estimated for disease-causing variants in RNASEH2A, allowing no conclusion about variant significance. To our knowledge, no occurrence of c.*16G>A in individuals affected with RNASEH2A-related conditions and no experimental evidence demonstrating its impact on protein function have been reported. No submitters have cited clinical-significance assessments for this variant to ClinVar. Based on the evidence outlined above, the variant was classified as uncertain significance.